The following is an entry in ClinVar:

NM_001367624.2(ZNF469):c.7850G>A (p.Arg2617Gln)

Gene: ZNF469 (zinc finger protein 469; plus strand). Cytogenetic location: 16q24.2.
Variant type: single nucleotide variant.
Coding change: c.7850G>A on transcript NM_001367624.2 (MANE Select); coding-DNA position 7850, G replaced by A.
Protein change: p.Arg2617Gln; replaces arginine 2617 with glutamine.
Molecular consequence: missense variant.
Genome position (GRCh38, 1-based): chr16:88,435,320, G>A. VCF-style: chr16-88435320-G-A. GRCh37 (hg19) VCF-style: chr16-88501728-G-A.
Other names: NM_001127464.1:c.7766G>A; NM_001127464.2:c.7766G>A; p.Arg2617Gln; short protein forms R2617Q.
Identifiers: ClinVar variation 514019 (VCV000514019.16), dbSNP rs200019229, ClinGen allele CA8225285.

ClinVar aggregate classification (germline): Conflicting classifications of pathogenicity. Review status: criteria provided, conflicting classifications (1 of 4 stars). 7 submissions from 7 submitters: Uncertain significance (2); Likely benign (3). 2 of the submissions do not count toward it. Last evaluated 2025-01-02.

Conditions:
Cardiovascular phenotype. Identifiers: MedGen CN230736.
Ehlers-Danlos syndrome (EDS). Identifiers: Orphanet 98249, MedGen C0013720, MONDO:0020066.

Allele frequency attached by ClinVar (database versions not stated): TOPMed 0.00025; 1000 Genomes Project 0.00040; 1000 Genomes Project 30x 0.00047; gnomAD 0.00017 and 0.00018; gnomAD exomes 0.00039 and 0.00042; ExAC 0.00049.
gnomAD v4.1: 606 of 1,550,354 alleles (0.039%); highest among the groups gnomAD compares: South Asian, 0.086%; no homozygotes.

Submissions (7):

Mayo Clinic Laboratories, Mayo Clinic
Classification: Likely benign. Last evaluated: 2025-01-02. Review status: criteria provided, single submitter. Criteria: ACMG Guidelines, 2015. Collection method: clinical testing. Allele origin: germline. Observed: 5 variant alleles.
Comment: BS1, BP4_moderate

Labcorp Genetics (formerly Invitae), Labcorp
Classification: Uncertain significance. Last evaluated: 2024-12-24. Review status: criteria provided, single submitter. Criteria: Invitae Variant Classification Sherloc (09022015). Collection method: clinical testing. Allele origin: germline.
Comment: This sequence change replaces arginine, which is basic and polar, with glutamine, which is neutral and polar, at codon 2589 of the ZNF469 protein (p.Arg2589Gln). This variant is present in population databases (rs200019229, gnomAD 0.1%). This variant has not been reported in the literature in individuals affected with ZNF469-related conditions. ClinVar contains an entry for this variant (Variation ID: 514019). An algorithm developed to predict the effect of missense changes on protein structure and function outputs the following: PolyPhen-2: "Benign". The glutamine amino acid residue is found in multiple mammalian species, which suggests that this missense change does not adversely affect protein function. In summary, the available evidence is currently insufficient to determine the role of this variant in disease. Therefore, it has been classified as a Variant of Uncertain Significance.

Ambry Genetics
Classification: Likely benign for Cardiovascular phenotype. Last evaluated: 2023-04-11. Review status: criteria provided, single submitter. Criteria: Ambry Variant Classification Scheme 2023. Collection method: clinical testing. Allele origin: germline.

GeneDx
Classification: Likely benign. Last evaluated: 2020-11-20. Review status: criteria provided, single submitter. Criteria: GeneDx Variant Classification Process June 2021. Collection method: clinical testing. Allele origin: germline. Affected: yes.

Genome Diagnostics Laboratory, The Hospital for Sick Children
Classification: Uncertain significance for Ehlers-Danlos syndrome. Last evaluated: 2019-06-01. Review status: criteria provided, single submitter. Criteria: ACMG Guidelines, 2015. Collection method: clinical testing. Allele origin: germline.

Clinical Genetics DNA and cytogenetics Diagnostics Lab, Erasmus MC, Erasmus Medical Center
Classification: Likely benign. Review status: no assertion criteria provided. Collection method: clinical testing. Allele origin: germline. Affected: yes. Study: VKGL Data-share Consensus. Not counted in ClinVar's aggregate classification.

Genome Diagnostics Laboratory, Amsterdam University Medical Center
Classification: Likely benign. Review status: no assertion criteria provided. Collection method: clinical testing. Allele origin: germline. Affected: yes. Study: VKGL Data-share Consensus. Not counted in ClinVar's aggregate classification.